The following is an entry in ClinVar:

NM_015295.3(SMCHD1):c.889C>T (p.His297Tyr)

Gene: SMCHD1 (structural maintenance of chromosomes flexible hinge domain containing 1; plus strand). Cytogenetic location: 18p11.32.
Variant type: single nucleotide variant.
Coding change: c.889C>T on transcript NM_015295.3 (MANE Select); coding-DNA position 889, C replaced by T.
Protein change: p.His297Tyr; replaces histidine 297 with tyrosine.
Molecular consequence: missense variant.
Genome position (GRCh38, 1-based): chr18:2,694,542, C>T. VCF-style: chr18-2694542-C-T. GRCh37 (hg19) VCF-style: chr18-2694540-C-T.
Other names: short protein forms H297Y.
Identifiers: ClinVar variation 3659678 (VCV003659678.2).
Genomic context (GRCh38, chr18:2,694,542, plus strand): 5'-TAATTTAGATGATTTAATCTGTTGTATTTCTGTTCACTCTTGTAGCCCTCTGATTCTGTT[C>T]ACATTACAAATGATGATGAAAGATTTCTACATCATCTTATCATAGAGGAGAAGGAAAAAG-3'
Protein context (NP_056110.2, residues 287-307): IRNRKPSDSV[His297Tyr]ITNDDERFLH

ClinVar aggregate classification (germline): Uncertain significance (1 of 4 stars; one submission).

Conditions:
Facioscapulohumeral muscular dystrophy 2 (FSHD2). Also called: MUSCULAR DYSTROPHY, FACIOSCAPULOHUMERAL, TYPE 1B; FACIOSCAPULOHUMERAL MUSCULAR DYSTROPHY 2, DIGENIC; FSHD2, DIGENIC. Identifiers: Orphanet 269, MedGen C1834671, MONDO:0008031, OMIM 158901.

Submission:

Labcorp Genetics (formerly Invitae), Labcorp
Classification: Uncertain significance for Facioscapulohumeral muscular dystrophy 2. Last evaluated: 2024-07-16. Review status: criteria provided, single submitter. Criteria: Invitae Variant Classification Sherloc (09022015). Collection method: clinical testing. Allele origin: germline.
Comment: This sequence change replaces histidine, which is basic and polar, with tyrosine, which is neutral and polar, at codon 297 of the SMCHD1 protein (p.His297Tyr). This variant is not present in population databases (gnomAD no frequency). This variant has not been reported in the literature in individuals affected with SMCHD1-related conditions. Advanced modeling of protein sequence and biophysical properties (such as structural, functional, and spatial information, amino acid conservation, physicochemical variation, residue mobility, and thermodynamic stability) performed at Invitae indicates that this missense variant is expected to disrupt SMCHD1 protein function with a positive predictive value of 80%. In summary, the available evidence is currently insufficient to determine the role of this variant in disease. Therefore, it has been classified as a Variant of Uncertain Significance.